The following is an entry in ClinVar:

ClinVar aggregate classification (germline): Pathogenic (1 of 4 stars; one submission).

Submission:

Labcorp Genetics (formerly Invitae), Labcorp
Classification: Pathogenic. Last evaluated: 2024-02-22. Review status: criteria provided, single submitter. Criteria: Invitae Variant Classification Sherloc (09022015). Collection method: clinical testing. Allele origin: germline.
Comment: This sequence change creates a premature translational stop signal (p.Asn123Lysfs*19) in the NDUFAF5 gene. It is expected to result in an absent or disrupted protein product. Loss-of-function variants in NDUFAF5 are known to be pathogenic (PMID: 26275793, 30473481, 32918965). This variant is not present in population databases (gnomAD no frequency). This variant has not been reported in the literature in individuals affected with NDUFAF5-related conditions. For these reasons, this variant has been classified as Pathogenic.

Literature cited by the submitters: PubMed 26275793; PubMed 30473481; PubMed 32918965.

NM_024120.5(NDUFAF5):c.368dup (p.Asn123fs)

Gene: NDUFAF5 (NADH:ubiquinone oxidoreductase complex assembly factor 5; plus strand). Cytogenetic location: 20p12.1.
Variant type: Duplication.
Coding change: c.368dup on transcript NM_024120.5 (MANE Select); coding-DNA position 368, one base duplicated (A; older notation c.368dupA).
Protein change: p.Asn123fs; shifts the reading frame from asparagine 123.
Molecular consequence: frameshift variant. On other transcripts: initiator codon variant (1), 5 prime UTR variant (2), non-coding transcript variant (7).
Genome position (GRCh38, 1-based): chr20:13,793,220, A duplicated; the last of 4 consecutive A bases (chr20:13,793,217-13,793,220); duplicating any one gives the same sequence. VCF-style (leftmost placement, unchanged base first): chr20-13793216-G-GA. GRCh37 (hg19) VCF-style: chr20-13773862-G-GA.
Other names: c.388dup, p.Met130fs (NM_001039375.3); c.1dup, p.Met1fs (NM_001352403.2); c.-194dup (NM_001352406.2, NM_001352407.2); c.368dup, p.Asn123fs (NM_001352408.2); short protein forms M130fs, M1fs, N123fs.
Identifiers: ClinVar variation 3642547 (VCV003642547.2).